The following is an entry in ClinVar:

NM_000368.5(TSC1):c.26A>G (p.Glu9Gly)

Gene: TSC1 (TSC complex subunit 1; minus strand). Cytogenetic location: 9q34.13.
Variant type: single nucleotide variant.
Coding change: c.26A>G on transcript NM_000368.5 (MANE Select); coding-DNA position 26, A replaced by G.
Protein change: p.Glu9Gly; replaces glutamic acid 9 with glycine.
Molecular consequence: missense variant. On other transcripts: non-coding transcript variant (5), intron variant (2), 5 prime UTR variant (16).
Genome position (GRCh38, 1-based): chr9:132,928,847, T>C on the plus strand (A>G on the coding strand, the complement: TSC1 is on the minus strand). VCF-style: chr9-132928847-T-C. GRCh37 (hg19) VCF-style: chr9-135804234-T-C.
Other names: c.-153-3108A>G (NM_001406620.1, NM_001406618.1); c.26A>G, p.Glu9Gly (NM_001162426.2, NM_001162427.2, NM_001406592.1 and 21 more transcripts); c.-234A>G (NM_001362177.2, NM_001406622.1, NM_001406625.1 and 3 more transcripts); c.-463A>G (NM_001406623.1, NM_001406615.1); c.-430A>G (NM_001406624.1, NM_001406616.1); c.-852A>G (NM_001406626.1, NM_001406627.1, NM_001406628.1); c.-994A>G (NM_001406629.1); c.-1068A>G (NM_001406630.1); and 1 more; short protein forms E9G.
Identifiers: ClinVar variation 3720840 (VCV003720840.2).
Genomic context (GRCh38, chr9:132,928,847, plus strand): 5'-AAGACAGCTGTCACGTCGTCCCGCACACCCAGCATGGGGGAGTCCAGCATGGCAAGAAGC[T>C]CCCCGACATTTGCTTGTTGGGCCATTCTCTCGCTCGAAGGCGCTGTGCTGGCTCCAGGAC-3'
Protein context (NP_000359.1, residues 1-19): MAQQANVG[Glu9Gly]LLAMLDSPML

ClinVar aggregate classification (germline): Uncertain significance (1 of 4 stars; one submission).

Conditions:
Tuberous sclerosis 1 (TSC1). Identifiers: Orphanet 805, MedGen C1854465, MONDO:0008612, OMIM 191100.

Submission:

Labcorp Genetics (formerly Invitae), Labcorp
Classification: Uncertain significance for Tuberous sclerosis 1. Last evaluated: 2024-11-16. Review status: criteria provided, single submitter. Criteria: Invitae Variant Classification Sherloc (09022015). Collection method: clinical testing. Allele origin: germline.
Comment: This sequence change replaces glutamic acid, which is acidic and polar, with glycine, which is neutral and non-polar, at codon 9 of the TSC1 protein (p.Glu9Gly). This variant is not present in population databases (gnomAD no frequency). This variant has not been reported in the literature in individuals affected with TSC1-related conditions. Invitae Evidence Modeling of protein sequence and biophysical properties (such as structural, functional, and spatial information, amino acid conservation, physicochemical variation, residue mobility, and thermodynamic stability) indicates that this missense variant is not expected to disrupt TSC1 protein function with a negative predictive value of 95%. In summary, the available evidence is currently insufficient to determine the role of this variant in disease. Therefore, it has been classified as a Variant of Uncertain Significance.